The following is an entry in ClinVar:

ClinVar aggregate classification (germline): Likely benign (0 of 4 stars; one submission).

Conditions:
TGM3-related disorder. Also called: TGM3-related condition.

Allele frequency attached by ClinVar (database versions not stated): ExAC 0.00002; gnomAD exomes 0.00004; TOPMed 0.00017; gnomAD 0.00029.
gnomAD v4.1: 100 of 1,614,156 alleles (0.0062%); highest among the groups gnomAD compares: Admixed American, 0.16%; no homozygotes.

Submission:

PreventionGenetics, part of Exact Sciences
Classification: Likely benign for TGM3-related condition. Last evaluated: 2019-04-25. Review status: no assertion criteria provided. Collection method: clinical testing. Allele origin: germline.
Comment: This variant is classified as likely benign based on ACMG/AMP sequence variant interpretation guidelines (Richards et al. 2015 PMID: 25741868, with internal and published modifications).

NM_003245.4(TGM3):c.2010A>G (p.Gln670=)

Gene: TGM3 (transglutaminase 3; plus strand). Cytogenetic location: 20p13.
Variant type: single nucleotide variant.
Coding change: c.2010A>G on transcript NM_003245.4 (MANE Select); coding-DNA position 2010, A replaced by G.
Protein change: p.Gln670=; no amino-acid change (glutamine 670 retained).
Molecular consequence: synonymous variant.
Genome position (GRCh38, 1-based): chr20:2,340,509, A>G. VCF-style: chr20-2340509-A-G. GRCh37 (hg19) VCF-style: chr20-2321155-A-G.
Identifiers: ClinVar variation 3047907 (VCV003047907.2), dbSNP rs45518834, ClinGen allele CA9731436.